The following is an entry in ClinVar:

NM_016507.4(CDK12):c.523A>G (p.Arg175Gly)

Genes: CDK12 (cyclin dependent kinase 12; plus strand), LOC126862553 (CDK7 strongly-dependent group 2 enhancer GRCh37_chr17:37618166-37619365; plus strand). Cytogenetic location: 17q12.
Variant type: single nucleotide variant.
Coding change: c.523A>G on transcript NM_016507.4 (MANE Select); coding-DNA position 523, A replaced by G.
Protein change: p.Arg175Gly; replaces arginine 175 with glycine.
Molecular consequence: missense variant.
Genome position (GRCh38, 1-based): chr17:39,462,594, A>G. VCF-style: chr17-39462594-A-G. GRCh37 (hg19) VCF-style: chr17-37618847-A-G.
Other names: c.523A>G, p.Arg175Gly (NM_015083.4); short protein forms R175G.
Identifiers: ClinVar variation 3489280 (VCV003489280.1).

ClinVar aggregate classification (germline): Uncertain significance (1 of 4 stars; one submission).

gnomAD v4.1: 8 of 1,614,058 alleles (0.0005%); highest among the groups gnomAD compares: Admixed American, 0.013%; no homozygotes.

Submission:

Ambry Genetics
Classification: Uncertain significance. Last evaluated: 2024-11-25. Review status: criteria provided, single submitter. Criteria: Ambry Variant Classification Scheme 2023. Collection method: clinical testing. Allele origin: germline.
Comment: The p.R175G variant (also known as c.523A>G), located in coding exon 1 of the CDK12 gene, results from an A to G substitution at nucleotide position 523. The arginine at codon 175 is replaced by glycine, an amino acid with dissimilar properties. This amino acid position is conserved. In addition, this alteration is predicted to be tolerated by in silico analysis. Based on the available evidence, the clinical significance of this variant remains unclear.